The following is an entry in ClinVar:

ClinVar aggregate classification (germline): Uncertain significance (1 of 4 stars; one submission).

Conditions:
Brody myopathy. Also called: BRODY DISEASE. Identifiers: Orphanet 53347, MedGen C1832918, MONDO:0010977, OMIM 601003.

Submission:

Labcorp Genetics (formerly Invitae), Labcorp
Classification: Uncertain significance for Brody myopathy. Last evaluated: 2020-11-05. Review status: criteria provided, single submitter. Criteria: Invitae Variant Classification Sherloc (09022015). Collection method: clinical testing. Allele origin: germline.
Comment: In summary, the available evidence is currently insufficient to determine the role of this variant in disease. Therefore, it has been classified as a Variant of Uncertain Significance. Nucleotide substitutions within the consensus splice site are a relatively common cause of aberrant splicing (PMID: 17576681, 9536098). Algorithms developed to predict the effect of sequence changes on RNA splicing suggest that this variant may disrupt the consensus splice site, but this prediction has not been confirmed by published transcriptional studies. Algorithms developed to predict the effect of missense changes on protein structure and function are either unavailable or do not agree on the potential impact of this missense change (SIFT: "Deleterious"; PolyPhen-2: "Probably Damaging"; Align-GVGD: "Class C0"). This variant has not been reported in the literature in individuals with ATP2A1-related conditions. This variant is not present in population databases (ExAC no frequency). This sequence change replaces lysine with asparagine at codon 515 of the ATP2A1 protein (p.Lys515Asn). The lysine residue is moderately conserved and there is a moderate physicochemical difference between lysine and asparagine. This variant also falls at the last nucleotide of exon 13, which is part of the consensus splice site for this exon.

Literature cited by the submitters: PubMed 17576681; PubMed 9536098.

NM_004320.6(ATP2A1):c.1545G>T (p.Lys515Asn)

Gene: ATP2A1 (ATPase sarcoplasmic/endoplasmic reticulum Ca2+ transporting 1; plus strand). Cytogenetic location: 16p11.2.
Variant type: single nucleotide variant.
Coding change: c.1545G>T on transcript NM_004320.6 (MANE Select); coding-DNA position 1545, G replaced by T.
Protein change: p.Lys515Asn; replaces lysine 515 with asparagine.
Molecular consequence: missense variant.
Genome position (GRCh38, 1-based): chr16:28,898,125, G>T. VCF-style: chr16-28898125-G-T. GRCh37 (hg19) VCF-style: chr16-28909446-G-T.
Other names: c.1170G>T, p.Lys390Asn (NM_001286075.2); c.1545G>T, p.Lys515Asn (NM_173201.5); short protein forms K390N, K515N.
Identifiers: ClinVar variation 1487144 (VCV001487144.8), dbSNP rs2152211613, ClinGen allele CA395409561.
Genomic context (GRCh38, chr16:28,898,125, plus strand): 5'-TGTCTATTGCTCCCCAGCCAAATCTTCCCGGGCTGCTGTGGGCAACAAGATGTTTGTCAA[G>T]GTCAGAAATCGGAATGTGCCTCAGCCCCCTCTTCTTCCTACTCCTAGCCACCTGTCACTG-3'
Protein context (NP_004311.1, residues 505-525): RAAVGNKMFV[Lys515Asn]GAPEGVIDRC